The following is an entry in ClinVar:

ClinVar aggregate classification (germline): Uncertain significance (1 of 4 stars; one submission).

gnomAD v4.1: 1 of 1,209,131 alleles (0.000083%); highest among the groups gnomAD compares: Non-Finnish European, 0.00011%; no homozygotes.

Submission:

GeneDx
Classification: Uncertain significance. Last evaluated: 2025-04-15. Review status: criteria provided, single submitter. Criteria: GeneDx Variant Classification Process June 2021. Collection method: clinical testing. Allele origin: germline. Affected: yes.
Comment: Not observed at significant frequency in large population cohorts (gnomAD); In silico analysis supports that this missense variant has a deleterious effect on protein structure/function; Has not been previously published as pathogenic or benign to our knowledge

NM_007325.5(GRIA3):c.1424T>C (p.Val475Ala)

Gene: GRIA3 (glutamate ionotropic receptor AMPA type subunit 3; plus strand). Cytogenetic location: Xq25.
Variant type: single nucleotide variant.
Coding change: c.1424T>C on transcript NM_007325.5 (MANE Select); coding-DNA position 1424, T replaced by C.
Protein change: p.Val475Ala; replaces valine 475 with alanine.
Molecular consequence: missense variant.
Genome position (GRCh38, 1-based): chrX:123,404,838, T>C. VCF-style: chrX-123404838-T-C. GRCh37 (hg19) VCF-style: chrX-122538689-T-C.
Other names: c.1424T>C, p.Val475Ala (NM_000828.5); short protein forms V475A.
Identifiers: ClinVar variation 4282379 (VCV004282379.1).
Genomic context (GRCh38, chrX:123,404,838, plus strand): 5'-GTGTAGACCTAGCCTATGAAATAGCCAAACATGTAAGGATCAAATACAAATTGTCCATCG[T>C]TGGTGACGGGAAATATGGTGCAAGGGATCCAGAGACTAAAATATGGAACGGCATGGTTGG-3'
Protein context (NP_015564.5, residues 465-485): HVRIKYKLSI[Val475Ala]GDGKYGARDP